The following is an entry in ClinVar:

ClinVar aggregate classification (germline): Likely pathogenic (1 of 4 stars; one submission).

Conditions:
Nephronophthisis. Also called: Juvenile Nephronophthisis. Identifiers: Orphanet 655, MedGen C0687120, MONDO:0019005, HP:0000090.

Submission:

Labcorp Genetics (formerly Invitae), Labcorp
Classification: Likely pathogenic for Nephronophthisis. Last evaluated: 2022-09-06. Review status: criteria provided, single submitter. Criteria: Invitae Variant Classification Sherloc (09022015). Collection method: clinical testing. Allele origin: germline.
Comment: In summary, the currently available evidence indicates that the variant is pathogenic, but additional data are needed to prove that conclusively. Therefore, this variant has been classified as Likely Pathogenic. Algorithms developed to predict the effect of sequence changes on RNA splicing suggest that this variant may disrupt the consensus splice site. This variant has not been reported in the literature in individuals affected with NPHP1-related conditions. This variant is not present in population databases (gnomAD no frequency). This sequence change affects a donor splice site in intron 5 of the NPHP1 gene. It is expected to disrupt RNA splicing. Variants that disrupt the donor or acceptor splice site typically lead to a loss of protein function (PMID: 16199547), and loss-of-function variants in NPHP1 are known to be pathogenic (PMID: 23559409).

Literature cited by the submitters: PubMed 16199547; PubMed 23559409.

NM_001128178.3(NPHP1):c.522+1G>C

Gene: NPHP1 (nephrocystin 1; minus strand). Cytogenetic location: 2q13.
Variant type: single nucleotide variant.
Coding change: c.522+1G>C on transcript NM_001128178.3 (MANE Select); the canonical splice donor site of the intron after coding-DNA position 522, G replaced by C.
Molecular consequence: splice donor variant.
Genome position (GRCh38, 1-based): chr2:110,169,805, C>G on the plus strand (G>C on the coding strand, the complement: NPHP1 is on the minus strand). VCF-style: chr2-110169805-C-G. GRCh37 (hg19) VCF-style: chr2-110927382-C-G.
Other names: c.336+1G>C (NM_001128179.3); c.522+1G>C (NM_001374256.1, NM_001374257.1, NM_207181.4 and 1 more transcripts).
Identifiers: ClinVar variation 2029316 (VCV002029316.4), dbSNP rs2467403268, ClinGen allele CA348092774.